The following is an entry in ClinVar:

NM_003900.5(SQSTM1):c.815C>G (p.Ser272Cys)

Gene: SQSTM1 (sequestosome 1; plus strand). Cytogenetic location: 5q35.3.
Variant type: single nucleotide variant.
Coding change: c.815C>G on transcript NM_003900.5 (MANE Select); coding-DNA position 815, C replaced by G.
Protein change: p.Ser272Cys; replaces serine 272 with cysteine.
Molecular consequence: missense variant.
Genome position (GRCh38, 1-based): chr5:179,833,092, C>G. VCF-style: chr5-179833092-C-G. GRCh37 (hg19) VCF-style: chr5-179260092-C-G.
Other names: c.563C>G, p.Ser188Cys (NM_001142298.2, NM_001142299.2); short protein forms S188C, S272C.
Identifiers: ClinVar variation 1926269 (VCV001926269.5), dbSNP rs2480244171, ClinGen allele CA362451140.

ClinVar aggregate classification (germline): Uncertain significance (1 of 4 stars; one submission).

Conditions:
Frontotemporal dementia and/or amyotrophic lateral sclerosis 1 (FTDALS1). Also called: Frontotemporal dementia with motor neuron disease 1; C9orf72 Frontotemporal Dementia and/or Amyotrophic Lateral Sclerosis. Identifiers: Orphanet 275872, MedGen C5779877, MONDO:0007105, OMIM 105550.
Paget disease of bone 2, early-onset (PDB2). Also called: Paget disease of bone 2. Identifiers: MedGen C4085251, MONDO:0011183, OMIM 602080.

Allele frequency attached by ClinVar (database versions not stated): gnomAD exomes below 0.00001.

Submission:

Labcorp Genetics (formerly Invitae), Labcorp
Classification: Uncertain significance for Paget disease of bone 2, early-onset; Frontotemporal dementia and/or amyotrophic lateral sclerosis 1. Last evaluated: 2022-02-14. Review status: criteria provided, single submitter. Criteria: Invitae Variant Classification Sherloc (09022015). Collection method: clinical testing. Allele origin: germline.
Comment: This sequence change replaces serine, which is neutral and polar, with cysteine, which is neutral and slightly polar, at codon 272 of the SQSTM1 protein (p.Ser272Cys). This variant is not present in population databases (gnomAD no frequency). This variant has not been reported in the literature in individuals affected with SQSTM1-related conditions. Algorithms developed to predict the effect of missense changes on protein structure and function are either unavailable or do not agree on the potential impact of this missense change (SIFT: "Deleterious"; PolyPhen-2: "Benign"; Align-GVGD: "Class C15"). In summary, the available evidence is currently insufficient to determine the role of this variant in disease. Therefore, it has been classified as a Variant of Uncertain Significance.